The following is an entry in ClinVar:

NM_015346.4(ZFYVE26):c.7522G>T (p.Ala2508Ser)

Gene: ZFYVE26 (zinc finger FYVE-type containing 26; minus strand). Cytogenetic location: 14q24.1.
Variant type: single nucleotide variant.
Coding change: c.7522G>T on transcript NM_015346.4 (MANE Select); coding-DNA position 7522, G replaced by T.
Protein change: p.Ala2508Ser; replaces alanine 2508 with serine.
Molecular consequence: missense variant.
Genome position (GRCh38, 1-based): chr14:67,748,534, C>A on the plus strand (G>T on the coding strand, the complement: ZFYVE26 is on the minus strand). VCF-style: chr14-67748534-C-A. GRCh37 (hg19) VCF-style: chr14-68215251-C-A.
Other names: short protein forms A2508S.
Identifiers: ClinVar variation 3768237 (VCV003768237.2).

ClinVar aggregate classification (germline): Uncertain significance. Review status: criteria provided, multiple submitters, no conflicts (2 of 4 stars). 2 submissions from 2 submitters: Uncertain significance (2). Last evaluated 2024-12-05.

Submissions (2):

Women's Health and Genetics/Laboratory Corporation of America, LabCorp
Classification: Uncertain significance. Last evaluated: 2024-12-05. Review status: criteria provided, single submitter. Criteria: LabCorp Variant Classification Summary - May 2015. Collection method: clinical testing. Allele origin: germline.
Comment: Variant summary: ZFYVE26 c.7522G>T (p.Ala2508Ser) results in a conservative amino acid change in the encoded protein sequence. Three of five in-silico tools predict a damaging effect of the variant on protein function. The variant allele was found at a frequency of 4e-06 in 248904 control chromosomes. The available data on variant occurrences in the general population are insufficient to allow any conclusion about variant significance. c.7522G>T has been reported in the literature in one individual affected with Hereditary Spastic Paraplegia 15 (example, Gorukmez_2023). These report(s) do not provide unequivocal conclusions about association of the variant with Hereditary Spastic Paraplegia 15. To our knowledge, no experimental evidence demonstrating an impact on protein function has been reported. The following publication has been ascertained in the context of this evaluation (PMID: 36964972). No submitters have cited clinical-significance assessments for this variant to ClinVar. Based on the evidence outlined above, the variant was classified as uncertain significance.

Blueprint Genetics
Classification: Uncertain significance. Last evaluated: 2024-08-07. Review status: criteria provided, single submitter. Criteria: ACMG Guidelines, 2015. Collection method: clinical testing. Allele origin: germline.

Literature cited by the submitters: PubMed 36964972 (cited by Women's Health and Genetics/Laboratory Corporation of America, LabCorp).